The following is an entry in ClinVar:

ClinVar aggregate classification (germline): Uncertain significance (1 of 4 stars; one submission).

Conditions:
Imerslund-Grasbeck syndrome. Also called: PERNICIOUS ANEMIA, JUVENILE, DUE TO SELECTIVE INTESTINAL MALABSORPTION OF VITAMIN B12, WITH PROTEINURIA; Megaloblastic anemia due to inborn errors of metabolism; ENTEROCYTE COBALAMIN MALABSORPTION; ENTEROCYTE INTRINSIC FACTOR RECEPTOR, DEFECT OF; Imerslund-Gräsbeck syndrome. Identifiers: Orphanet 35858, MedGen C4551825, MONDO:0009853.

gnomAD v4.1: 43 of 1,613,936 alleles (0.0027%); highest among the groups gnomAD compares: Non-Finnish European, 0.003%; no homozygotes.

Submission:

Labcorp Genetics (formerly Invitae), Labcorp
Classification: Uncertain significance for Imerslund-Grasbeck syndrome. Last evaluated: 2022-10-24. Review status: criteria provided, single submitter. Criteria: Invitae Variant Classification Sherloc (09022015). Collection method: clinical testing. Allele origin: germline.
Comment: In summary, the available evidence is currently insufficient to determine the role of this variant in disease. Therefore, it has been classified as a Variant of Uncertain Significance. Advanced modeling of protein sequence and biophysical properties (such as structural, functional, and spatial information, amino acid conservation, physicochemical variation, residue mobility, and thermodynamic stability) performed at Invitae indicates that this missense variant is not expected to disrupt CUBN protein function. This variant has not been reported in the literature in individuals affected with CUBN-related conditions. This variant is present in population databases (rs769662282, gnomAD 0.006%). This sequence change replaces valine, which is neutral and non-polar, with phenylalanine, which is neutral and non-polar, at codon 1717 of the CUBN protein (p.Val1717Phe).

NM_001081.4(CUBN):c.5149G>T (p.Val1717Phe)

Gene: CUBN (cubilin; minus strand). Cytogenetic location: 10p13.
Variant type: single nucleotide variant.
Coding change: c.5149G>T on transcript NM_001081.4 (MANE Select); coding-DNA position 5149, G replaced by T.
Protein change: p.Val1717Phe; replaces valine 1717 with phenylalanine.
Molecular consequence: missense variant.
Genome position (GRCh38, 1-based): chr10:16,948,538, C>A on the plus strand (G>T on the coding strand, the complement: CUBN is on the minus strand). VCF-style: chr10-16948538-C-A. GRCh37 (hg19) VCF-style: chr10-16990537-C-A.
Other names: short protein forms V1717F.
Identifiers: ClinVar variation 2079659 (VCV002079659.3), dbSNP rs769662282, ClinGen allele CA5424115.